The following is an entry in ClinVar:

ClinVar aggregate classification (germline): Benign/Likely benign. Review status: criteria provided, multiple submitters, no conflicts (2 of 4 stars). 5 submissions from 5 submitters: Benign (1); Likely benign (4). Last evaluated 2026-01-22.

Conditions:
UDPglucose-4-epimerase deficiency. Also called: UDP-GALACTOSE-4-EPIMERASE DEFICIENCY; Galactose epimerase deficiency; UDPglucose 4-Epimerase Deficiency Disease; GALACTOSEMIA III; GALE DEFICIENCY; Epimerase Deficiency Galactosemia. Identifiers: Orphanet 352, Orphanet 79238, MedGen C0751161, MONDO:0009257, OMIM 230350.

Allele frequency attached by ClinVar (database versions not stated): gnomAD 0.00203 and 0.00214; ESP Exome Variant Server 0.00215; 1000 Genomes Project 0.00220; TOPMed 0.00225; 1000 Genomes Project 30x 0.00234; ExAC 0.00234; gnomAD exomes 0.00237 and 0.00354.
gnomAD v4.1: 5,474 of 1,613,886 alleles (0.34%); highest among the groups gnomAD compares: Non-Finnish European, 0.4%; 14 homozygotes.

Submissions (5):

Labcorp Genetics (formerly Invitae), Labcorp
Classification: Benign for UDPglucose-4-epimerase deficiency. Last evaluated: 2026-01-22. Review status: criteria provided, single submitter. Criteria: Invitae Variant Classification Sherloc (09022015). Collection method: clinical testing. Allele origin: germline.

CeGaT Center for Human Genetics Tuebingen
Classification: Likely benign. Last evaluated: 2026-01-01. Review status: criteria provided, single submitter. Criteria: CeGaT Center For Human Genetics Tuebingen Variant Classification Criteria Version 2. Collection method: clinical testing. Allele origin: germline. Affected: yes. Observed: 4 variant alleles.
Comment: GALE: BP4, BP7, BS2

Blueprint Genetics
Classification: Likely benign. Last evaluated: 2024-11-25. Review status: criteria provided, single submitter. Criteria: ACMG Guidelines, 2015. Collection method: clinical testing. Allele origin: germline.

Illumina Laboratory Services, Illumina
Classification: Likely benign for UDPglucose-4-epimerase deficiency. Last evaluated: 2018-01-13. Review status: criteria provided, single submitter. Criteria: ICSL Variant Classification Criteria 13 December 2019. Collection method: clinical testing. Allele origin: germline.
Comment: This variant was observed in the ICSL laboratory as part of a predisposition screen in an ostensibly healthy population. It had not been previously curated by ICSL or reported in the Human Gene Mutation Database (HGMD: prior to June 1st, 2018), and was therefore a candidate for classification through an automated scoring system. Utilizing variant allele frequency, disease prevalence and penetrance estimates, and inheritance mode, an automated score was calculated to assess if this variant is too frequent to cause the disease. Based on the score and internal cut-off values, a variant classified as likely benign is not then subjected to further curation. The score for this variant resulted in a classification of likely benign for this disease.

Eurofins Ntd Llc (ga)
Classification: Likely benign. Last evaluated: 2016-10-27. Review status: criteria provided, single submitter. Criteria: EGL Classification Definitions 2015. Collection method: clinical testing. Allele origin: germline. Observed: 1 variant allele, 1 heterozygote.

NM_001008216.2(GALE):c.879G>A (p.Pro293=)

Gene: GALE (UDP-galactose-4-epimerase; minus strand). Cytogenetic location: 1p36.11.
Variant type: single nucleotide variant.
Coding change: c.879G>A on transcript NM_001008216.2 (MANE Select); coding-DNA position 879, G replaced by A.
Protein change: p.Pro293=; no amino-acid change (proline 293 retained).
Molecular consequence: synonymous variant.
Genome position (GRCh38, 1-based): chr1:23,796,260, C>T on the plus strand (G>A on the coding strand, the complement: GALE is on the minus strand). VCF-style: chr1-23796260-C-T. GRCh37 (hg19) VCF-style: chr1-24122750-C-T.
Other names: c.879G>A, p.Pro293= (NM_000403.4, NM_001127621.2).
Identifiers: ClinVar variation 296828 (VCV000296828.43), dbSNP rs142332521, ClinGen allele CA685446.
Genomic context (GRCh38, chr1:23,796,260, plus strand): 5'-CAGGCTGGGGTTGGCGTAACAGGCTGCCACATCACCTTCCCGCCGTGCCACCACCTTGTA[C>T]GGGATCTGCAAGACAGGAGGTAGTTGGAGCTTAGCTGAGCCGGCCCTGGCCCAGCTGCTG-3'
Protein context (NP_001008217.1, residues 283-303): AMEKASGKKI[Pro293=]YKVVARREGD